The following is an entry in ClinVar:

ClinVar aggregate classification (germline): Uncertain significance (1 of 4 stars; one submission).

Submission:

Labcorp Genetics (formerly Invitae), Labcorp
Classification: Uncertain significance. Last evaluated: 2025-05-30. Review status: criteria provided, single submitter. Criteria: Invitae Variant Classification Sherloc (09022015). Collection method: clinical testing. Allele origin: germline.
Comment: This sequence change replaces glutamic acid, which is acidic and polar, with aspartic acid, which is acidic and polar, at codon 731 of the LETM1 protein (p.Glu731Asp). This variant is not present in population databases (gnomAD no frequency). This variant has not been reported in the literature in individuals affected with LETM1-related conditions. Experimental studies and prediction algorithms are not available or were not evaluated, and the functional significance of this variant is currently unknown. In summary, the available evidence is currently insufficient to determine the role of this variant in disease. Therefore, it has been classified as a Variant of Uncertain Significance.

NM_012318.3(LETM1):c.2193G>C (p.Glu731Asp)

Gene: LETM1 (leucine zipper and EF-hand containing transmembrane protein 1; minus strand). Cytogenetic location: 4p16.3.
Variant type: single nucleotide variant.
Coding change: c.2193G>C on transcript NM_012318.3 (MANE Select); coding-DNA position 2193, G replaced by C.
Protein change: p.Glu731Asp; replaces glutamic acid 731 with aspartic acid.
Molecular consequence: missense variant.
Genome position (GRCh38, 1-based): chr4:1,814,451, C>G on the plus strand (G>C on the coding strand, the complement: LETM1 is on the minus strand). VCF-style: chr4-1814451-C-G. GRCh37 (hg19) VCF-style: chr4-1816178-C-G.
Other names: short protein forms E731D.
Identifiers: ClinVar variation 4711804 (VCV004711804.1).
Genomic context (GRCh38, chr4:1,814,451, plus strand): 5'-ACAGCAGGAGGACAGGTGCCCAGGCCAGTGGTTCTAGCTCTTCACCTCTGCGACCTCCTT[C>G]TCTGCCTTCTCTTTGGCCTTCTCCTTCTCCTCCACCTTCTCCTCTTTTTCCAGTGTTGCT-3'
Protein context (NP_036450.1, residues 721-739): EEKEKAKEKA[Glu731Asp]KEVAEVKS